The following is an entry in ClinVar:

ClinVar aggregate classification (germline): Uncertain significance (1 of 4 stars; one submission).

Submission:

Ambry Genetics
Classification: Uncertain significance. Last evaluated: 2025-05-19. Review status: criteria provided, single submitter. Criteria: Ambry Variant Classification Scheme 2023. Collection method: clinical testing. Allele origin: germline.
Comment: The p.E52G variant (also known as c.155A>G), located in coding exon 1 of the WNK2 gene, results from an A to G substitution at nucleotide position 155. The glutamic acid at codon 52 is replaced by glycine, an amino acid with similar properties. This amino acid position is conserved. In addition, this alteration is predicted to be tolerated by in silico analysis. Based on the available evidence, the clinical significance of this variant remains unclear.

NM_006648.4(WNK2):c.155A>G (p.Glu52Gly)

Gene: WNK2 (WNK lysine deficient protein kinase 2; plus strand). Cytogenetic location: 9q22.31.
Variant type: single nucleotide variant.
Coding change: c.155A>G on transcript NM_006648.4 (MANE Select); coding-DNA position 155, A replaced by G.
Protein change: p.Glu52Gly; replaces glutamic acid 52 with glycine.
Molecular consequence: missense variant.
Genome position (GRCh38, 1-based): chr9:93,185,084, A>G. VCF-style: chr9-93185084-A-G. GRCh37 (hg19) VCF-style: chr9-95947366-A-G.
Other names: c.155A>G, p.Glu52Gly (NM_001282394.3); short protein forms E52G.
Identifiers: ClinVar variation 3982082 (VCV003982082.1).